The following is an entry in ClinVar:

ClinVar aggregate classification (germline): Uncertain significance. Review status: criteria provided, multiple submitters, no conflicts (2 of 4 stars). 2 submissions from 2 submitters: Uncertain significance (2). Last evaluated 2025-10-07.

Conditions:
Cardiovascular phenotype. Identifiers: MedGen CN230736.
Dilated cardiomyopathy 1DD (CMD1DD). Identifiers: Orphanet 154, MedGen C2750995, MONDO:0013168, OMIM 613172.

gnomAD v4.1: 7 of 1,551,676 alleles (0.00045%); highest among the groups gnomAD compares: Non-Finnish European, 0.00061%; no homozygotes.

Submissions (2):

Ambry Genetics
Classification: Uncertain significance for Cardiovascular phenotype. Last evaluated: 2025-10-07. Review status: criteria provided, single submitter. Criteria: Ambry Variant Classification Scheme 2023. Collection method: clinical testing. Allele origin: germline.

Labcorp Genetics (formerly Invitae), Labcorp
Classification: Uncertain significance for Dilated cardiomyopathy 1DD. Last evaluated: 2023-01-28. Review status: criteria provided, single submitter. Criteria: Invitae Variant Classification Sherloc (09022015). Collection method: clinical testing. Allele origin: germline.
Comment: In summary, the available evidence is currently insufficient to determine the role of this variant in disease. Therefore, it has been classified as a Variant of Uncertain Significance. Advanced modeling of protein sequence and biophysical properties (such as structural, functional, and spatial information, amino acid conservation, physicochemical variation, residue mobility, and thermodynamic stability) performed at Invitae indicates that this missense variant is not expected to disrupt RBM20 protein function. This sequence change replaces arginine, which is basic and polar, with glycine, which is neutral and non-polar, at codon 392 of the RBM20 protein (p.Arg392Gly). This variant is not present in population databases (gnomAD no frequency). This variant has not been reported in the literature in individuals affected with RBM20-related conditions.

NM_001134363.3(RBM20):c.1174C>G (p.Arg392Gly)

Gene: RBM20 (RNA binding motif protein 20; plus strand). Cytogenetic location: 10q25.2.
Variant type: single nucleotide variant.
Coding change: c.1174C>G on transcript NM_001134363.3 (MANE Select); coding-DNA position 1174, C replaced by G.
Protein change: p.Arg392Gly; replaces arginine 392 with glycine.
Molecular consequence: missense variant.
Genome position (GRCh38, 1-based): chr10:110,781,783, C>G. VCF-style: chr10-110781783-C-G. GRCh37 (hg19) VCF-style: chr10-112541541-C-G.
Other names: short protein forms R392G.
Identifiers: ClinVar variation 2889652 (VCV002889652.4), dbSNP rs771764951, ClinGen allele CA378385873.